The following is an entry in ClinVar:

NM_002941.4(ROBO1):c.205C>T (p.Arg69Cys)

Gene: ROBO1 (roundabout guidance receptor 1; minus strand). Cytogenetic location: 3p12.3.
Variant type: single nucleotide variant.
Coding change: c.205C>T on transcript NM_002941.4 (MANE Select); coding-DNA position 205, C replaced by T.
Protein change: p.Arg69Cys; replaces arginine 69 with cysteine.
Molecular consequence: missense variant.
Genome position (GRCh38, 1-based): chr3:78,938,895, G>A on the plus strand (C>T on the coding strand, the complement: ROBO1 is on the minus strand). VCF-style: chr3-78938895-G-A. GRCh37 (hg19) VCF-style: chr3-78988045-G-A.
Other names: c.88C>T, p.Arg30Cys (NM_001145844.1, NM_001145845.2, NM_133631.4); short protein forms R30C, R69C.
Identifiers: ClinVar variation 3030270 (VCV003030270.5), dbSNP rs749720619, ClinGen allele CA2499301.

ClinVar aggregate classification (germline): Uncertain significance. Review status: criteria provided, multiple submitters, no conflicts (2 of 4 stars). 3 submissions from 3 submitters: Uncertain significance (2). 1 of the submissions does not count toward it. Last evaluated 2025-12-01.

Conditions:
ROBO1-related disorder. Also called: ROBO1-related condition.
Inborn genetic diseases. Identifiers: MedGen C0950123, MeSH D030342.

Allele frequency attached by ClinVar (database versions not stated): TOPMed below 0.00001; ExAC 0.00001.

Submissions (3):

Labcorp Genetics (formerly Invitae), Labcorp
Classification: Uncertain significance. Last evaluated: 2025-12-01. Review status: criteria provided, single submitter. Criteria: Invitae Variant Classification Sherloc (09022015). Collection method: clinical testing. Allele origin: germline.
Comment: This sequence change replaces arginine, which is basic and polar, with cysteine, which is neutral and slightly polar, at codon 69 of the ROBO1 protein (p.Arg69Cys). This variant is present in population databases (rs749720619, gnomAD 0.0009%). This variant has not been reported in the literature in individuals affected with ROBO1-related conditions. ClinVar contains an entry for this variant (Variation ID: 3030270). Invitae Evidence Modeling of protein sequence and biophysical properties (such as structural, functional, and spatial information, amino acid conservation, physicochemical variation, residue mobility, and thermodynamic stability) indicates that this missense variant is expected to disrupt ROBO1 protein function with a positive predictive value of 95%. In summary, the available evidence is currently insufficient to determine the role of this variant in disease. Therefore, it has been classified as a Variant of Uncertain Significance.

Ambry Genetics
Classification: Uncertain significance for Inborn genetic diseases. Last evaluated: 2024-10-04. Review status: criteria provided, single submitter. Criteria: Ambry Variant Classification Scheme 2023. Collection method: clinical testing. Allele origin: germline.

PreventionGenetics, part of Exact Sciences
Classification: Uncertain significance for ROBO1-related condition. Last evaluated: 2024-01-03. Review status: no assertion criteria provided. Collection method: clinical testing. Allele origin: germline. Not counted in ClinVar's aggregate classification.
Comment: The ROBO1 c.205C>T variant is predicted to result in the amino acid substitution p.Arg69Cys. To our knowledge, this variant has not been reported in the literature. This variant is reported in 0.00089% of alleles in individuals of European (Non-Finnish) descent in gnomAD. At this time, the clinical significance of this variant is uncertain due to the absence of conclusive functional and genetic evidence.